The following is an entry in ClinVar:

NM_014946.4(SPAST):c.98C>T (p.Pro33Leu)

Gene: SPAST (spastin; plus strand). Cytogenetic location: 2p22.3.
Variant type: single nucleotide variant.
Coding change: c.98C>T on transcript NM_014946.4 (MANE Select); coding-DNA position 98, C replaced by T.
Protein change: p.Pro33Leu; replaces proline 33 with leucine.
Molecular consequence: missense variant.
Genome position (GRCh38, 1-based): chr2:32,063,929, C>T. VCF-style: chr2-32063929-C-T. GRCh37 (hg19) VCF-style: chr2-32288998-C-T.
Other names: c.98C>T, p.Pro33Leu (NM_001363823.2, NM_001363875.2, NM_001377959.1 and 1 more transcripts); short protein forms P33L.
Identifiers: ClinVar variation 391244 (VCV000391244.29), dbSNP rs777721232, ClinGen allele CA1600482.
Genomic context (GRCh38, chr2:32,063,929, plus strand): 5'-CCGGCGGCGCCAGCAACCCGGTGCCTCCCAGGCCTCCGCCCCCTTGCCTGGCCCCCGCCC[C>T]TCCCGCCGCCGGGCCGGCCCCTCCGCCCGAGTCGCCGCATAAGCGGAACCTGTACTATTT-3'
Protein context (NP_055761.2, residues 23-43): RPPPPCLAPA[Pro33Leu]PAAGPAPPPE

ClinVar aggregate classification (germline): Uncertain significance. Review status: criteria provided, multiple submitters, no conflicts (2 of 4 stars). 3 submissions from 3 submitters: Uncertain significance (3). Last evaluated 2024-03-25.

Conditions:
Hereditary spastic paraplegia 4. Also called: Familial spastic paraplegia autosomal dominant 2; Spastic paraplegia 4, autosomal dominant; Spastic Paraplegia 4. Identifiers: Orphanet 100985, MedGen C1866855, MONDO:0008438, OMIM 182601.

Allele frequency attached by ClinVar (database versions not stated): gnomAD 0.00001; TOPMed 0.00002; gnomAD exomes 0.00003; ExAC 0.00004.
gnomAD v4.1: 47 of 1,598,884 alleles (0.0029%); highest among the groups gnomAD compares: Non-Finnish European, 0.0038%; no homozygotes.

Submissions (3):

Labcorp Genetics (formerly Invitae), Labcorp
Classification: Uncertain significance for Hereditary spastic paraplegia 4. Last evaluated: 2024-03-25. Review status: criteria provided, single submitter. Criteria: Invitae Variant Classification Sherloc (09022015). Collection method: clinical testing. Allele origin: germline.
Comment: This sequence change replaces proline, which is neutral and non-polar, with leucine, which is neutral and non-polar, at codon 33 of the SPAST protein (p.Pro33Leu). This variant is present in population databases (rs777721232, gnomAD 0.006%). This missense change has been observed in individual(s) with amyotrophic lateral sclerosis (PMID: 33770234). ClinVar contains an entry for this variant (Variation ID: 391244). Advanced modeling of protein sequence and biophysical properties (such as structural, functional, and spatial information, amino acid conservation, physicochemical variation, residue mobility, and thermodynamic stability) performed at Invitae indicates that this missense variant is not expected to disrupt SPAST protein function with a negative predictive value of 95%. In summary, the available evidence is currently insufficient to determine the role of this variant in disease. Therefore, it has been classified as a Variant of Uncertain Significance.

CeGaT Center for Human Genetics Tuebingen
Classification: Uncertain significance. Last evaluated: 2023-02-01. Review status: criteria provided, single submitter. Criteria: CeGaT Center For Human Genetics Tuebingen Variant Classification Criteria Version 2. Collection method: clinical testing. Allele origin: germline. Affected: yes. Observed: 1 variant allele.

GeneDx
Classification: Uncertain significance. Last evaluated: 2016-12-19. Review status: criteria provided, single submitter. Criteria: GeneDx Variant Classification (06012015). Collection method: clinical testing. Allele origin: germline. Affected: yes.
Comment: The P33L variant has not been published as a pathogenic variant, nor has it been reported as a benign variant to our knowledge. The P33L variant was not observed in approximately 6,500 individuals of European and African American ancestry in the NHLBI Exome Sequencing Project, indicating it is not a common benign variant in these populations. The P33L variant is a semi-conservative amino acid substitution, which may impact secondary protein structure as these residues differ in some properties. This substitution occurs at a position that is not conserved. In silico analysis is inconsistent in its predictions as to whether or not the variant is damaging to the protein structure/function. In summary, based on the currently available information, it is unclear whether this variant is a pathogenic variant or a rare benign variant.

Literature cited by the submitters: PubMed 33770234 (cited by Labcorp Genetics (formerly Invitae), Labcorp).